The following is an entry in ClinVar:

NC_000002.11:g.(?_233001172)_(233001439_?)dup

Gene: DIS3L2 (DIS3 like 3'-5' exoribonuclease 2; plus strand). Cytogenetic location: 2q37.1.
Variant type: Duplication.
Identifiers: ClinVar variation 1347285 (VCV001347285.4).

ClinVar aggregate classification (germline): Likely pathogenic (1 of 4 stars; one submission).

Conditions:
Perlman syndrome (PRLMNS). Identifiers: Orphanet 2849, MedGen C0796113, MONDO:0009965, OMIM 267000.

Submission:

Labcorp Genetics (formerly Invitae), Labcorp
Classification: Likely pathogenic for Perlman syndrome. Last evaluated: 2021-04-16. Review status: criteria provided, single submitter. Criteria: Invitae Variant Classification Sherloc (09022015). Collection method: clinical testing. Allele origin: germline.
Comment: In summary, the currently available evidence indicates that the variant is pathogenic, but additional data are needed to prove that conclusively. Therefore, this variant has been classified as Likely Pathogenic. This variant has not been reported in the literature in individuals with DIS3L2-related conditions. This variant results in a copy number gain of the genomic region encompassing exon(s) 8 of the DIS3L2 gene. While the exact position of this variant cannot be determined from the data, sub-genic copy number gains are generally in tandem (PMID: 25640679). This variant is predicted to be out-of-frame, and may result in an absent or disrupted protein product. Loss-of-function variants in DIS3L2 are known to be pathogenic (PMID: 22306653, 28328139).

Literature cited by the submitters: PubMed 25640679; PubMed 22306653; PubMed 28328139.